The following is an entry in ClinVar:

NM_001365951.3(KIF1B):c.3459G>T (p.Glu1153Asp)

Gene: KIF1B (kinesin family member 1B; plus strand). Cytogenetic location: 1p36.22.
Variant type: single nucleotide variant.
Coding change: c.3459G>T on transcript NM_001365951.3 (MANE Select); coding-DNA position 3459, G replaced by T.
Protein change: p.Glu1153Asp; replaces glutamic acid 1153 with aspartic acid.
Molecular consequence: missense variant.
Genome position (GRCh38, 1-based): chr1:10,339,805, G>T. VCF-style: chr1-10339805-G-T. GRCh37 (hg19) VCF-style: chr1-10399863-G-T.
Other names: c.3459G>T, p.Glu1153Asp (NM_001365952.1); c.3321G>T, p.Glu1107Asp (NM_015074.3); short protein forms E1153D, E1107D.
Identifiers: ClinVar variation 2891651 (VCV002891651.4), dbSNP rs1246767853, ClinGen allele CA338341021.
Genomic context (GRCh38, chr1:10,339,805, plus strand): 5'-AGTCTTTTTATTTTTTTTATGAAGCTTTTTGCATCGCCATGATGAAGCATTCTCCACGGA[G>T]CCCCTCAAAAACAATGGCAGAGGAAGTCCCCTGGCCTTTTATCATGTGCAGAATGTAAGT-3'
Protein context (NP_001352880.1, residues 1143-1163): LHRHDEAFST[Glu1153Asp]PLKNNGRGSP

ClinVar aggregate classification (germline): Uncertain significance. Review status: criteria provided, multiple submitters, no conflicts (2 of 4 stars). 2 submissions from 2 submitters: Uncertain significance (2). Last evaluated 2024-11-22.

Conditions:
Charcot-Marie-Tooth disease type 2. Also called: Charcot-Marie-Tooth type 2. Identifiers: Orphanet 64746, MedGen C0270914, MONDO:0018993.

Allele frequency attached by ClinVar (database versions not stated): gnomAD exomes below 0.00001.
gnomAD v4.1: 1 of 1,614,088 alleles (0.000062%); highest among the groups gnomAD compares: East Asian, 0.0022%; no homozygotes.

Submissions (2):

Ambry Genetics
Classification: Uncertain significance. Last evaluated: 2024-11-22. Review status: criteria provided, single submitter. Criteria: Ambry Variant Classification Scheme 2023. Collection method: clinical testing. Allele origin: germline.
Comment: The p.E1107D variant (also known as c.3321G>T), located in coding exon 29 of the KIF1B gene, results from a G to T substitution at nucleotide position 3321. The glutamic acid at codon 1107 is replaced by aspartic acid, an amino acid with highly similar properties. This amino acid position is conserved. In addition, the in silico prediction for this alteration is inconclusive. Based on the available evidence, the clinical significance of this variant remains unclear.

Labcorp Genetics (formerly Invitae), Labcorp
Classification: Uncertain significance for Charcot-Marie-Tooth disease type 2. Last evaluated: 2023-11-04. Review status: criteria provided, single submitter. Criteria: Invitae Variant Classification Sherloc (09022015). Collection method: clinical testing. Allele origin: germline.
Comment: This sequence change replaces glutamic acid, which is acidic and polar, with aspartic acid, which is acidic and polar, at codon 1107 of the KIF1B protein (p.Glu1107Asp). This variant is present in population databases (no rsID available, gnomAD 0.01%). This variant has not been reported in the literature in individuals affected with KIF1B-related conditions. An algorithm developed to predict the effect of missense changes on protein structure and function (PolyPhen-2) suggests that this variant is likely to be disruptive. In summary, the available evidence is currently insufficient to determine the role of this variant in disease. Therefore, it has been classified as a Variant of Uncertain Significance.